The following is an entry in ClinVar:

ClinVar aggregate classification (germline): Uncertain significance. Review status: criteria provided, multiple submitters, no conflicts (2 of 4 stars). 2 submissions from 2 submitters: Uncertain significance (2). Last evaluated 2025-02-24.

Conditions:
Tuberous sclerosis 2 (TSC2). Identifiers: Orphanet 805, MedGen C1860707, MONDO:0013199, OMIM 613254.
Hereditary cancer-predisposing syndrome. Also called: Neoplastic Syndromes, Hereditary; Hereditary neoplastic syndrome; Hereditary Cancer Syndrome; Tumor predisposition. Identifiers: Orphanet 140162, MedGen C0027672, MeSH D009386, MONDO:0015356.

Submissions (2):

Ambry Genetics
Classification: Uncertain significance for Hereditary cancer-predisposing syndrome. Last evaluated: 2025-02-24. Review status: criteria provided, single submitter. Criteria: Ambry Variant Classification Scheme 2023. Collection method: clinical testing. Allele origin: germline.
Comment: The p.S1340C variant (also known as c.4019C>G), located in coding exon 33 of the TSC2 gene, results from a C to G substitution at nucleotide position 4019. The serine at codon 1340 is replaced by cysteine, an amino acid with dissimilar properties. This amino acid position is conserved. In addition, this alteration is predicted to be deleterious by in silico analysis. Based on the available evidence, the clinical significance of this variant remains unclear.

Labcorp Genetics (formerly Invitae), Labcorp
Classification: Uncertain significance for Tuberous sclerosis 2. Last evaluated: 2024-12-23. Review status: criteria provided, single submitter. Criteria: Invitae Variant Classification Sherloc (09022015). Collection method: clinical testing. Allele origin: germline.
Comment: This sequence change replaces serine, which is neutral and polar, with cysteine, which is neutral and slightly polar, at codon 1340 of the TSC2 protein (p.Ser1340Cys). This variant is not present in population databases (gnomAD no frequency). This variant has not been reported in the literature in individuals affected with TSC2-related conditions. ClinVar contains an entry for this variant (Variation ID: 1403409). Invitae Evidence Modeling of protein sequence and biophysical properties (such as structural, functional, and spatial information, amino acid conservation, physicochemical variation, residue mobility, and thermodynamic stability) indicates that this missense variant is not expected to disrupt TSC2 protein function with a negative predictive value of 95%. In summary, the available evidence is currently insufficient to determine the role of this variant in disease. Therefore, it has been classified as a Variant of Uncertain Significance.

NM_000548.5(TSC2):c.4019C>G (p.Ser1340Cys)

Gene: TSC2 (TSC complex subunit 2; plus strand). Cytogenetic location: 16p13.3.
Variant type: single nucleotide variant.
Coding change: c.4019C>G on transcript NM_000548.5 (MANE Select); coding-DNA position 4019, C replaced by G.
Protein change: p.Ser1340Cys; replaces serine 1340 with cysteine.
Molecular consequence: missense variant.
Genome position (GRCh38, 1-based): chr16:2,084,241, C>G. VCF-style: chr16-2084241-C-G. GRCh37 (hg19) VCF-style: chr16-2134242-C-G.
Other names: c.3818C>G, p.Ser1273Cys (NM_001077183.3); c.3950C>G, p.Ser1317Cys (NM_001114382.3); c.3710C>G, p.Ser1237Cys (NM_001318827.2); c.3674C>G, p.Ser1225Cys (NM_001318829.2); c.3287C>G, p.Ser1096Cys (NM_001318831.2); c.3851C>G, p.Ser1284Cys (NM_001318832.2); c.3821C>G, p.Ser1274Cys (NM_001363528.2); c.3887C>G, p.Ser1296Cys (NM_001370404.1); and 1 more; short protein forms S1096C, S1273C, S1225C, S1237C, S1274C, S1317C, S1284C, S1297C.
Identifiers: ClinVar variation 1403409 (VCV001403409.11), dbSNP rs753656246, ClinGen allele CA394299180.